The following is an entry in ClinVar:

NM_022367.4(SEMA4A):c.1639T>A (p.Cys547Ser)

Gene: SEMA4A (semaphorin 4A; plus strand). Cytogenetic location: 1q22.
Variant type: single nucleotide variant.
Coding change: c.1639T>A on transcript NM_022367.4 (MANE Select); coding-DNA position 1639, T replaced by A.
Protein change: p.Cys547Ser; replaces cysteine 547 with serine.
Molecular consequence: missense variant.
Genome position (GRCh38, 1-based): chr1:156,175,602, T>A. VCF-style: chr1-156175602-T-A. GRCh37 (hg19) VCF-style: chr1-156145393-T-A.
Other names: c.1639T>A, p.Cys547Ser (NM_001193300.2, NM_001193301.2, NM_001370567.1); c.1243T>A, p.Cys415Ser (NM_001193302.2); c.1342T>A, p.Cys448Ser (NM_001370568.1); c.1132T>A, p.Cys378Ser (NM_001370569.1, NM_001370571.1); short protein forms C448S, C547S, C415S, C378S.
Identifiers: ClinVar variation 940609 (VCV000940609.8), dbSNP rs1298931227, ClinGen allele CA342809996.

ClinVar aggregate classification (germline): Uncertain significance (1 of 4 stars; one submission).

Allele frequency attached by ClinVar (database versions not stated): TOPMed 0.00001.

Submission:

Labcorp Genetics (formerly Invitae), Labcorp
Classification: Uncertain significance. Last evaluated: 2022-12-02. Review status: criteria provided, single submitter. Criteria: Invitae Variant Classification Sherloc (09022015). Collection method: clinical testing. Allele origin: germline.
Comment: In summary, the available evidence is currently insufficient to determine the role of this variant in disease. Therefore, it has been classified as a Variant of Uncertain Significance. Advanced modeling of protein sequence and biophysical properties (such as structural, functional, and spatial information, amino acid conservation, physicochemical variation, residue mobility, and thermodynamic stability) performed at Invitae indicates that this missense variant is expected to disrupt SEMA4A protein function. ClinVar contains an entry for this variant (Variation ID: 940609). This variant has not been reported in the literature in individuals affected with SEMA4A-related conditions. This variant is not present in population databases (gnomAD no frequency). This sequence change replaces cysteine, which is neutral and slightly polar, with serine, which is neutral and polar, at codon 547 of the SEMA4A protein (p.Cys547Ser).